The following is an entry in ClinVar:

NM_005343.4(HRAS):c.129G>C (p.Gln43His)

Genes: LRRC56 (leucine rich repeat containing 56; plus strand), HRAS (HRas proto-oncogene, GTPase; minus strand). Cytogenetic location: 11p15.5.
Variant type: single nucleotide variant.
Coding change: c.129G>C on transcript NM_005343.4 (MANE Select); coding-DNA position 129, G replaced by C.
Protein change: p.Gln43His; replaces glutamine 43 with histidine.
Molecular consequence: missense variant. On other transcripts: 5 prime UTR variant (1).
Genome position (GRCh38, 1-based): chr11:533,927, C>G on the plus strand (G>C on the coding strand, the complement: HRAS is on the minus strand). VCF-style: chr11-533927-C-G. GRCh37 (hg19) VCF-style: chr11-533927-C-G.
Other names: c.129G>C, p.Gln43His (NM_001130442.3, NM_176795.5); c.-191G>C (NM_001318054.2); short protein forms Q43H.
Identifiers: ClinVar variation 2766820 (VCV002766820.3), dbSNP rs2133991657, ClinGen allele CA378924786.

ClinVar aggregate classification (germline): Uncertain significance (1 of 4 stars; one submission).

Conditions:
Costello syndrome (CSTLO). Also called: FACIOCUTANEOSKELETAL SYNDROME; FCS SYNDROME; HRAS-Related Costello Syndrome. Identifiers: Orphanet 3071, MedGen C0587248, MONDO:0009026, OMIM 218040.

Submission:

Labcorp Genetics (formerly Invitae), Labcorp
Classification: Uncertain significance for Costello syndrome. Last evaluated: 2023-10-08. Review status: criteria provided, single submitter. Criteria: Invitae Variant Classification Sherloc (09022015). Collection method: clinical testing. Allele origin: germline.
Comment: This sequence change replaces glutamine, which is neutral and polar, with histidine, which is basic and polar, at codon 43 of the HRAS protein (p.Gln43His). This variant is not present in population databases (gnomAD no frequency). This variant has not been reported in the literature in individuals affected with HRAS-related conditions. Advanced modeling of protein sequence and biophysical properties (such as structural, functional, and spatial information, amino acid conservation, physicochemical variation, residue mobility, and thermodynamic stability) performed at Invitae indicates that this missense variant is not expected to disrupt HRAS protein function. In summary, the available evidence is currently insufficient to determine the role of this variant in disease. Therefore, it has been classified as a Variant of Uncertain Significance.